The following is an entry in ClinVar:

ClinVar aggregate classification (germline): Likely pathogenic. Review status: criteria provided, multiple submitters, no conflicts (2 of 4 stars). 3 submissions from 3 submitters: Likely pathogenic (2). 1 of the submissions does not count toward it. Last evaluated 2023-03-29.

Conditions:
Achromatopsia 3 (ACHM3). Also called: ACHROMATOPSIA WITH MYOPIA; PINGELAPESE BLINDNESS; TOTAL COLORBLINDNESS WITH MYOPIA; ROD MONOCHROMACY 1; ROD MONOCHROMATISM 1. Identifiers: Orphanet 49382, MedGen C1849792, MONDO:0009875, OMIM 262300.

Submissions (3):

Labcorp Genetics (formerly Invitae), Labcorp
Classification: Likely pathogenic. Last evaluated: 2023-03-29. Review status: criteria provided, single submitter. Criteria: Invitae Variant Classification Sherloc (09022015). Collection method: clinical testing. Allele origin: germline.
Comment: This sequence change affects an acceptor splice site in intron 10 of the CNGB3 gene. It is expected to disrupt RNA splicing. Variants that disrupt the donor or acceptor splice site typically lead to a loss of protein function (PMID: 16199547), and loss-of-function variants in CNGB3 are known to be pathogenic (PMID: 28795510). This variant is not present in population databases (gnomAD no frequency). This variant has not been reported in the literature in individuals affected with CNGB3-related conditions. ClinVar contains an entry for this variant (Variation ID: 371304). Algorithms developed to predict the effect of sequence changes on RNA splicing suggest that this variant may disrupt the consensus splice site. In summary, the currently available evidence indicates that the variant is pathogenic, but additional data are needed to prove that conclusively. Therefore, this variant has been classified as Likely Pathogenic.

Institute of Medical Genetics and Applied Genomics, University Hospital Tübingen
Classification: Likely pathogenic. Last evaluated: 2021-06-17. Review status: criteria provided, single submitter. Criteria: ACMG Guidelines, 2015. Collection method: clinical testing. Allele origin: germline. Inheritance: Autosomal recessive inheritance. Affected: yes.

Counsyl
Classification: Likely pathogenic for Achromatopsia 3. Last evaluated: 2016-08-23. Review status: no assertion criteria provided. Collection method: clinical testing. Allele origin: unknown. Not counted in ClinVar's aggregate classification.

Literature cited by the submitters: PubMed 16199547 (cited by Labcorp Genetics (formerly Invitae), Labcorp); PubMed 28795510 (cited by Labcorp Genetics (formerly Invitae), Labcorp).

NM_019098.5(CNGB3):c.1179-2A>T

Gene: CNGB3 (cyclic nucleotide gated channel subunit beta 3; minus strand). Cytogenetic location: 8q21.3.
Variant type: single nucleotide variant.
Coding change: c.1179-2A>T on transcript NM_019098.5 (MANE Select); the canonical splice acceptor site of the intron before coding-DNA position 1179, A replaced by T.
Molecular consequence: splice acceptor variant.
Genome position (GRCh38, 1-based): chr8:86,632,895, T>A on the plus strand (A>T on the coding strand, the complement: CNGB3 is on the minus strand). VCF-style: chr8-86632895-T-A. GRCh37 (hg19) VCF-style: chr8-87645123-T-A.
Identifiers: ClinVar variation 371304 (VCV000371304.10), dbSNP rs1057517167, ClinGen allele CA16041194.